The following is an entry in ClinVar:

NM_177402.5(SYT2):c.308A>G (p.Lys103Arg)

Gene: SYT2 (synaptotagmin 2; minus strand). Cytogenetic location: 1q32.1.
Variant type: single nucleotide variant.
Coding change: c.308A>G on transcript NM_177402.5 (MANE Select); coding-DNA position 308, A replaced by G.
Protein change: p.Lys103Arg; replaces lysine 103 with arginine.
Molecular consequence: missense variant.
Genome position (GRCh38, 1-based): chr1:202,604,492, T>C on the plus strand (A>G on the coding strand, the complement: SYT2 is on the minus strand). VCF-style: chr1-202604492-T-C. GRCh37 (hg19) VCF-style: chr1-202573620-T-C.
Other names: c.308A>G, p.Lys103Arg (NM_001136504.1); short protein forms K103R.
Identifiers: ClinVar variation 1706366 (VCV001706366.2), dbSNP rs773963322, ClinGen allele CA1333822.
Genomic context (GRCh38, chr1:202,604,492, plus strand): 5'-CCCTCACAACCAATGTGCCCTACCTGACCCCCTTTCATGTCCTTCATGTTCATGGCATTC[T>C]TCATGCCTTTGCCCTTCTCCTTCTTGTTCTTCTTCTTCTTGCAGCAGCATTTCTTGCAGA-3'
Protein context (NP_796376.2, residues 93-113): KNKKEKGKGM[Lys103Arg]NAMNMKDMKG

ClinVar aggregate classification (germline): Uncertain significance (1 of 4 stars; one submission).

Allele frequency attached by ClinVar (database versions not stated): gnomAD exomes below 0.00001; TOPMed below 0.00001; ExAC 0.00001.
gnomAD v4.1: 1 of 1,614,258 alleles (0.000062%); highest among the groups gnomAD compares: Non-Finnish European, 0.000085%; no homozygotes.

Submission:

GeneDx
Classification: Uncertain significance. Last evaluated: 2022-03-15. Review status: criteria provided, single submitter. Criteria: GeneDx Variant Classification Process June 2021. Collection method: clinical testing. Allele origin: germline. Affected: yes.
Comment: In silico analysis supports that this missense variant does not alter protein structure/function; Has not been previously published as pathogenic or benign to our knowledge